The following is an entry in ClinVar:

NM_017849.4(TMEM127):c.159G>C (p.Trp53Cys)

Gene: TMEM127 (transmembrane protein 127; minus strand). Cytogenetic location: 2q11.2.
Variant type: single nucleotide variant.
Coding change: c.159G>C on transcript NM_017849.4 (MANE Select); coding-DNA position 159, G replaced by C.
Protein change: p.Trp53Cys; replaces tryptophan 53 with cysteine.
Molecular consequence: missense variant. On other transcripts: intron variant (1).
Genome position (GRCh38, 1-based): chr2:96,265,223, C>G on the plus strand (G>C on the coding strand, the complement: TMEM127 is on the minus strand). VCF-style: chr2-96265223-C-G. GRCh37 (hg19) VCF-style: chr2-96930961-C-G.
Other names: c.159G>C, p.Trp53Cys (NM_001193304.3); c.-9+646G>C (NM_001407283.1); short protein forms W53C.
Identifiers: ClinVar variation 4865714 (VCV004865714.1).

ClinVar aggregate classification (germline): Uncertain significance (1 of 4 stars; one submission).

Conditions:
Hereditary cancer-predisposing syndrome. Also called: Neoplastic Syndromes, Hereditary; Tumor predisposition; Hereditary Cancer Syndrome; Hereditary neoplastic syndrome. Identifiers: Orphanet 140162, MedGen C0027672, MeSH D009386, MONDO:0015356.

Submission:

Ambry Genetics
Classification: Uncertain significance for Hereditary cancer-predisposing syndrome. Last evaluated: 2026-04-22. Review status: criteria provided, single submitter. Criteria: Ambry Variant Classification Scheme 2023. Collection method: clinical testing. Allele origin: germline.
Comment: The p.W53C variant (also known as c.159G>C), located in coding exon 1 of the TMEM127 gene, results from a G to C substitution at nucleotide position 159. The tryptophan at codon 53 is replaced by cysteine, an amino acid with highly dissimilar properties. Other variant(s) at the same codon, p.W53S (c.158G>C), have been identified in individual(s) with features consistent with TMEM127-related hereditary pheochromocytoma-paraganglioma (Ambry internal data). This amino acid position is highly conserved in available vertebrate species. In addition, this alteration is predicted to be deleterious by in silico analysis. Based on the available evidence, the clinical significance of this variant remains unclear.